The following is an entry in ClinVar:

ClinVar aggregate classification (germline): Uncertain significance (1 of 4 stars; one submission).

Conditions:
Inborn genetic diseases. Identifiers: MedGen C0950123, MeSH D030342.

Allele frequency attached by ClinVar (database versions not stated): gnomAD exomes below 0.00001; gnomAD 0.00002.
gnomAD v4.1: 4 of 1,613,768 alleles (0.00025%); highest among the groups gnomAD compares: Admixed American, 0.0017%; no homozygotes.

Submission:

Ambry Genetics
Classification: Uncertain significance for Inborn genetic diseases. Last evaluated: 2021-08-09. Review status: criteria provided, single submitter. Criteria: Ambry Variant Classification Scheme 2023. Collection method: clinical testing. Allele origin: germline.
Comment: The p.V498D variant (also known as c.1493T>A), located in coding exon 11 of the BUB1B gene, results from a T to A substitution at nucleotide position 1493. The valine at codon 498 is replaced by aspartic acid, an amino acid with highly dissimilar properties. This amino acid position is conserved. In addition, this alteration is predicted to be tolerated by in silico analysis. Since supporting evidence is limited at this time, the clinical significance of this alteration remains unclear.

NM_001211.6(BUB1B):c.1493T>A (p.Val498Asp)

Gene: BUB1B (BUB1 mitotic checkpoint serine/threonine kinase B; plus strand). Cytogenetic location: 15q15.1.
Variant type: single nucleotide variant.
Coding change: c.1493T>A on transcript NM_001211.6 (MANE Select); coding-DNA position 1493, T replaced by A.
Protein change: p.Val498Asp; replaces valine 498 with aspartic acid.
Molecular consequence: missense variant.
Genome position (GRCh38, 1-based): chr15:40,200,335, T>A. VCF-style: chr15-40200335-T-A. GRCh37 (hg19) VCF-style: chr15-40492536-T-A.
Other names: short protein forms V498D.
Identifiers: ClinVar variation 1773837 (VCV001773837.2), dbSNP rs930430841, ClinGen allele CA268794436.
Genomic context (GRCh38, chr15:40,200,335, plus strand): 5'-CTAAACTGCAAATTGCTTCCGAGTCTCAGAAAATACCAGGAATGACTCTATCCAGTTCTG[T>A]TTGTCAAGTAAACTGTTGTGCCAGGTAAGACTACATAGGTGGAAGGGACAATGCATATAG-3'
Protein context (NP_001202.5, residues 488-508): KIPGMTLSSS[Val498Asp]CQVNCCARET